The following is an entry in ClinVar:

ClinVar aggregate classification (germline): Conflicting classifications of pathogenicity. Review status: criteria provided, conflicting classifications (1 of 4 stars). 6 submissions from 6 submitters: Uncertain significance (4); Benign (2). Last evaluated 2026-01-06.

Submissions (6):

Labcorp Genetics (formerly Invitae), Labcorp
Classification: Uncertain significance. Last evaluated: 2026-01-06. Review status: criteria provided, single submitter. Criteria: Invitae Variant Classification Sherloc (09022015). Collection method: clinical testing. Allele origin: germline.
Comment: This sequence change replaces glutamic acid, which is acidic and polar, with glycine, which is neutral and non-polar, at codon 117 of the PFN1 protein (p.Glu117Gly). The frequency data for this variant in the population databases is considered unreliable, as metrics indicate poor data quality at this position in the gnomAD database. This missense change has been observed in individual(s) with amyotrophic lateral sclerosis (ALS) and/or frontotemporal lobar degeneration (FTLD) (PMID: 22801503, 23063648, 23141414, 23312802, 23634771, 23635659, 24309268, 25943890). ClinVar contains an entry for this variant (Variation ID: 646360). An algorithm developed to predict the effect of missense changes on protein structure and function (PolyPhen-2) suggests that this variant is likely to be disruptive. Experimental studies are conflicting or provide insufficient evidence to determine the effect of this variant on PFN1 function (PMID: 22801503, 24920614, 26056300, 27432186, 28040732, 35628504). In summary, the available evidence is currently insufficient to determine the role of this variant in disease. Therefore, it has been classified as a Variant of Uncertain Significance.

Mayo Clinic Laboratories, Mayo Clinic
Classification: Benign. Last evaluated: 2023-04-27. Review status: criteria provided, single submitter. Criteria: ACMG Guidelines, 2015. Collection method: clinical testing. Allele origin: germline. Observed: 2 variant alleles.
Comment: BS2, BS3, PM2_moderate

Women's Health and Genetics/Laboratory Corporation of America, LabCorp
Classification: Uncertain significance. Last evaluated: 2023-03-10. Review status: criteria provided, single submitter. Criteria: LabCorp Variant Classification Summary - May 2015. Collection method: clinical testing. Allele origin: germline.
Comment: Variant summary: PFN1 c.350_351delinsGT (p.Glu117Gly) results in a non-conservative amino acid change in the encoded protein sequence. Three of five in-silico tools predict a damaging effect of the variant on protein function. The variant allele was found at a frequency of 0.00048 in 282822 control chromosomes (gnomAD). This frequency does not allow any conclusion about variant significance. c.350_351delinsGT has been reported in the literature in individuals affected with PFN1-Related Disorders (example: Wu_2012, Tiloca_2013, Ingre_2013, Dillen_2013, vanBlitterswijk_2013, Yang_2013, Pottier_2015, Fratta_2013, and Smith_2015) as well as study control subjects (example: Wu_2012, Dillen_2013, van Blitterswijk_2013, Fratta_2013, Smith_2015). In at-least, one of these individuals a pathogenic co-occurrence on GRN (p.A303GfsX14) was reported (Dillen_2013). Multiple reports have provided experimental evidence evaluating an impact on protein function. While some studies showed no damaging effect of this variant (example: Wu_2012, and Figley_ 2014) few others suggest this variant could be a risk factor for disease (example: Boopathy_2014 and Tanaka_2016). Four clinical diagnostic laboratories have submitted clinical-significance assessments for this variant to ClinVar after and classified the variant as VUS (n=3) and benign (n=1). Based on the evidence outlined above, the variant was classified as uncertain significance.

GeneDx
Classification: Benign. Last evaluated: 2020-09-03. Review status: criteria provided, single submitter. Criteria: GeneDx Variant Classification Process June 2021. Collection method: clinical testing. Allele origin: germline. Affected: yes.
Comment: This variant is associated with the following publications: (PMID: 22801503, 25943890, 23634771, 23063648, 26226631, 25499087, 23312802, 23141414)

Genetic Services Laboratory, University of Chicago
Classification: Uncertain significance. Last evaluated: 2020-03-11. Review status: criteria provided, single submitter. Criteria: ACMG Guidelines, 2015. Collection method: clinical testing. Allele origin: germline. Affected: no.

Athena Diagnostics
Classification: Uncertain significance. Last evaluated: 2019-07-30. Review status: criteria provided, single submitter. Criteria: Athena Diagnostics Criteria. Collection method: clinical testing. Allele origin: germline.

Literature cited by the submitters: PubMed 22801503 (cited by 4 submitters); PubMed 23063648 (cited by 4 submitters); PubMed 23141414 (cited by 3 submitters); PubMed 23312802 (cited by 4 submitters); PubMed 23634771 (cited by 4 submitters); PubMed 23635659 (cited by 4 submitters); PubMed 24309268 (cited by 4 submitters); PubMed 25943890 (cited by 3 submitters); PubMed 24920614 (cited by 3 submitters); PubMed 26056300 (cited by 4 submitters); PubMed 27432186 (cited by 4 submitters); PubMed 28040732 (cited by Labcorp Genetics (formerly Invitae), Labcorp); PubMed 35628504 (cited by Labcorp Genetics (formerly Invitae), Labcorp); PubMed 25499087 (cited by Women's Health and Genetics/Laboratory Corporation of America, LabCorp and Athena Diagnostics); PubMed 26572741 (cited by Athena Diagnostics); PubMed 28459188 (cited by Athena Diagnostics).

NM_005022.4(PFN1):c.350_351delinsGT (p.Glu117Gly)

Gene: PFN1 (profilin 1; minus strand). Cytogenetic location: 17p13.2.
Variant type: Indel.
Coding change: c.350_351delinsGT on transcript NM_005022.4 (MANE Select); coding-DNA positions 350 to 351, AA replaced by GT.
Protein change: p.Glu117Gly; replaces glutamic acid 117 with glycine.
Molecular consequence: missense variant. On other transcripts: 3 prime UTR variant (1).
Genome position (GRCh38, 1-based): chr17:4,945,972-4,945,973, TT replaced by AC on the plus strand (AA replaced by GT on the coding strand, the reverse complement: PFN1 is on the minus strand). VCF-style: chr17-4945972-TT-AC. GRCh37 (hg19) VCF-style: chr17-4849267-TT-AC.
Other names: p.Glu117Gly; c.350_351delAAinsGT (NM_005022.3); c.*434_*435delinsGT (NM_001375991.1); short protein forms E117G.
Identifiers: ClinVar variation 646360 (VCV000646360.20), dbSNP rs1597686012, ClinGen allele CA915949475.